The following is an entry in ClinVar:

ClinVar aggregate classification (germline): Uncertain significance (1 of 4 stars; one submission).

Conditions:
Hereditary spastic paraplegia 54. Also called: Spastic paraplegia 54, autosomal recessive. Identifiers: Orphanet 320380, MedGen C3539495, MONDO:0014018, OMIM 615033.

Allele frequency attached by ClinVar (database versions not stated): 1000 Genomes Project 0.00020; TOPMed 0.00003; gnomAD 0.00005; 1000 Genomes Project 30x 0.00016; ExAC 0.00001; gnomAD exomes 0.00004.
gnomAD v4.1: 65 of 1,613,890 alleles (0.004%); highest among the groups gnomAD compares: Non-Finnish European, 0.0052%; no homozygotes.

Submission:

Labcorp Genetics (formerly Invitae), Labcorp
Classification: Uncertain significance for Hereditary spastic paraplegia 54. Last evaluated: 2022-06-08. Review status: criteria provided, single submitter. Criteria: Invitae Variant Classification Sherloc (09022015). Collection method: clinical testing. Allele origin: germline.
Comment: Algorithms developed to predict the effect of missense changes on protein structure and function are either unavailable or do not agree on the potential impact of this missense change (SIFT: "Tolerated"; PolyPhen-2: "Probably Damaging"; Align-GVGD: "Class C0"). ClinVar contains an entry for this variant (Variation ID: 473071). This variant has not been reported in the literature in individuals affected with DDHD2-related conditions. This variant is present in population databases (rs547550120, gnomAD 0.006%). This sequence change replaces proline, which is neutral and non-polar, with serine, which is neutral and polar, at codon 493 of the DDHD2 protein (p.Pro493Ser). In summary, the available evidence is currently insufficient to determine the role of this variant in disease. Therefore, it has been classified as a Variant of Uncertain Significance.

NM_015214.3(DDHD2):c.1477C>T (p.Pro493Ser)

Gene: DDHD2 (DDHD domain containing 2; plus strand). Cytogenetic location: 8p11.23.
Variant type: single nucleotide variant.
Coding change: c.1477C>T on transcript NM_015214.3 (MANE Select); coding-DNA position 1477, C replaced by T.
Protein change: p.Pro493Ser; replaces proline 493 with serine.
Molecular consequence: missense variant. On other transcripts: non-coding transcript variant (2).
Genome position (GRCh38, 1-based): chr8:38,252,147, C>T. VCF-style: chr8-38252147-C-T. GRCh37 (hg19) VCF-style: chr8-38109665-C-T.
Other names: c.1477C>T, p.Pro493Ser (NM_001164232.2, NM_001362911.2, NM_001362912.2 and 1 more transcripts); c.1387C>T, p.Pro463Ser (NM_001362913.2); short protein forms P493S, P463S.
Identifiers: ClinVar variation 473071 (VCV000473071.5), dbSNP rs547550120, ClinGen allele CA4716276.